The following is an entry in ClinVar:

NM_020533.3(MCOLN1):c.65A>G (p.Tyr22Cys)

Gene: MCOLN1 (mucolipin TRP cation channel 1; plus strand). Cytogenetic location: 19p13.2.
Variant type: single nucleotide variant.
Coding change: c.65A>G on transcript NM_020533.3 (MANE Select); coding-DNA position 65, A replaced by G.
Protein change: p.Tyr22Cys; replaces tyrosine 22 with cysteine.
Molecular consequence: missense variant.
Genome position (GRCh38, 1-based): chr19:7,524,994, A>G. VCF-style: chr19-7524994-A-G. GRCh37 (hg19) VCF-style: chr19-7589880-A-G.
Other names: short protein forms Y22C.
Identifiers: ClinVar variation 2153040 (VCV002153040.4), dbSNP rs757727084, ClinGen allele CA403152413.

ClinVar aggregate classification (germline): Uncertain significance (1 of 4 stars; one submission).

Conditions:
Mucolipidosis type IV (ML4). Also called: ML IV. Identifiers: Orphanet 578, MedGen C0238286, MONDO:0009653, OMIM 252650.

Submission:

Labcorp Genetics (formerly Invitae), Labcorp
Classification: Uncertain significance for Mucolipidosis type IV. Last evaluated: 2022-10-28. Review status: criteria provided, single submitter. Criteria: Invitae Variant Classification Sherloc (09022015). Collection method: clinical testing. Allele origin: germline.
Comment: In summary, the available evidence is currently insufficient to determine the role of this variant in disease. Therefore, it has been classified as a Variant of Uncertain Significance. Advanced modeling of protein sequence and biophysical properties (such as structural, functional, and spatial information, amino acid conservation, physicochemical variation, residue mobility, and thermodynamic stability) has been performed at Invitae for this missense variant, however the output from this modeling did not meet the statistical confidence thresholds required to predict the impact of this variant on MCOLN1 protein function. This variant has not been reported in the literature in individuals affected with MCOLN1-related conditions. This variant is not present in population databases (gnomAD no frequency). This sequence change replaces tyrosine, which is neutral and polar, with cysteine, which is neutral and slightly polar, at codon 22 of the MCOLN1 protein (p.Tyr22Cys).